The following is an entry in ClinVar:

NM_003846.3(PEX11B):c.427C>T (p.Arg143Cys)

Gene: PEX11B (peroxisomal biogenesis factor 11 beta; minus strand). Cytogenetic location: 1q21.1.
Variant type: single nucleotide variant.
Coding change: c.427C>T on transcript NM_003846.3 (MANE Select); coding-DNA position 427, C replaced by T.
Protein change: p.Arg143Cys; replaces arginine 143 with cysteine.
Molecular consequence: missense variant. On other transcripts: non-coding transcript variant (3).
Genome position (GRCh38, 1-based): chr1:145,912,514, G>A on the plus strand (C>T on the coding strand, the complement: PEX11B is on the minus strand). VCF-style: chr1-145912514-G-A. GRCh37 (hg19) VCF-style: chr1-145522566-C-T.
Other names: c.385C>T, p.Arg129Cys (NM_001184795.1); short protein forms R129C, R143C.
Identifiers: ClinVar variation 966626 (VCV000966626.6), dbSNP rs201211935, ClinGen allele CA1055601.

ClinVar aggregate classification (germline): Uncertain significance. Review status: criteria provided, multiple submitters, no conflicts (2 of 4 stars). 2 submissions from 2 submitters: Uncertain significance (2). Last evaluated 2024-10-24.

Conditions:
Inborn genetic diseases. Identifiers: MedGen C0950123, MeSH D030342.

Allele frequency attached by ClinVar (database versions not stated): gnomAD exomes 0.00001; gnomAD 0.00003; ESP Exome Variant Server 0.00008; ExAC 0.00002; TOPMed 0.00002.
gnomAD v4.1: 23 of 1,497,184 alleles (0.0015%); highest among the groups gnomAD compares: Middle Eastern, 0.018%; no homozygotes.

Submissions (2):

Ambry Genetics
Classification: Uncertain significance for Inborn genetic diseases. Last evaluated: 2024-10-24. Review status: criteria provided, single submitter. Criteria: Ambry Variant Classification Scheme 2023. Collection method: clinical testing. Allele origin: germline.

Labcorp Genetics (formerly Invitae), Labcorp
Classification: Uncertain significance. Last evaluated: 2022-08-03. Review status: criteria provided, single submitter. Criteria: Invitae Variant Classification Sherloc (09022015). Collection method: clinical testing. Allele origin: germline.
Comment: This sequence change replaces arginine, which is basic and polar, with cysteine, which is neutral and slightly polar, at codon 143 of the PEX11B protein (p.Arg143Cys). This variant is present in population databases (rs201211935, gnomAD 0.004%). This variant has not been reported in the literature in individuals affected with PEX11B-related conditions. ClinVar contains an entry for this variant (Variation ID: 966626). Algorithms developed to predict the effect of missense changes on protein structure and function are either unavailable or do not agree on the potential impact of this missense change (SIFT: "Deleterious"; PolyPhen-2: "Benign"; Align-GVGD: "Class C0"). In summary, the available evidence is currently insufficient to determine the role of this variant in disease. Therefore, it has been classified as a Variant of Uncertain Significance.